The following is an entry in ClinVar:

ClinVar aggregate classification (germline): Uncertain significance. Review status: criteria provided, multiple submitters, no conflicts (2 of 4 stars). 3 submissions from 3 submitters: Uncertain significance (3). Last evaluated 2025-12-02.

Conditions:
Hereditary breast ovarian cancer syndrome. Also called: Hereditary breast and ovarian cancer syndrome; BRCA1- and BRCA2-Associated Hereditary Breast and Ovarian Cancer; Breast and ovarian cancer; Hereditary breast and/or ovarian cancer syndrome; Hereditary breast and ovarian cancer; Hereditary breast and ovarian cancer syndrome (HBOC). Identifiers: Orphanet 145, MedGen C0677776, MeSH D061325, MONDO:0003582. Disease mechanism: loss of function.
Hereditary cancer-predisposing syndrome. Also called: Neoplastic Syndromes, Hereditary; Tumor predisposition; Hereditary Cancer Syndrome; Hereditary neoplastic syndrome. Identifiers: Orphanet 140162, MedGen C0027672, MeSH D009386, MONDO:0015356.

Submissions (3):

Ambry Genetics
Classification: Uncertain significance for Hereditary cancer-predisposing syndrome. Last evaluated: 2025-12-02. Review status: criteria provided, single submitter. Criteria: Ambry Variant Classification Scheme 2023. Collection method: clinical testing. Allele origin: germline.
Comment: The p.S197C variant (also known as c.590C>G), located in coding exon 6 of the BRCA2 gene, results from a C to G substitution at nucleotide position 590. The serine at codon 197 is replaced by cysteine, an amino acid with dissimilar properties. This amino acid position is highly conserved in available vertebrate species. In addition, this alteration is predicted to be tolerated by in silico analysis. Since supporting evidence is limited at this time, the clinical significance of this alteration remains unclear.

GeneDx
Classification: Uncertain significance. Last evaluated: 2023-07-03. Review status: criteria provided, single submitter. Criteria: GeneDx Variant Classification Process June 2021. Collection method: clinical testing. Allele origin: germline. Affected: yes.
Comment: Not observed at significant frequency in large population cohorts (gnomAD); In silico analysis supports that this missense variant does not alter protein structure/function; Has not been previously published as pathogenic or benign to our knowledge; Also known as 818C>G

Labcorp Genetics (formerly Invitae), Labcorp
Classification: Uncertain significance for Hereditary breast ovarian cancer syndrome. Last evaluated: 2023-04-28. Review status: criteria provided, single submitter. Criteria: Invitae Variant Classification Sherloc (09022015). Collection method: clinical testing. Allele origin: germline.
Comment: In summary, the available evidence is currently insufficient to determine the role of this variant in disease. Therefore, it has been classified as a Variant of Uncertain Significance. Advanced modeling of protein sequence and biophysical properties (such as structural, functional, and spatial information, amino acid conservation, physicochemical variation, residue mobility, and thermodynamic stability) performed at Invitae indicates that this missense variant is not expected to disrupt BRCA2 protein function. ClinVar contains an entry for this variant (Variation ID: 232710). This variant has not been reported in the literature in individuals affected with BRCA2-related conditions. This variant is not present in population databases (gnomAD no frequency). This sequence change replaces serine, which is neutral and polar, with cysteine, which is neutral and slightly polar, at codon 197 of the BRCA2 protein (p.Ser197Cys).

NM_000059.4(BRCA2):c.590C>G (p.Ser197Cys)

Gene: BRCA2 (BRCA2 DNA repair associated; plus strand). Cytogenetic location: 13q13.1.
Variant type: single nucleotide variant.
Coding change: c.590C>G on transcript NM_000059.4 (MANE Select); coding-DNA position 590, C replaced by G.
Protein change: p.Ser197Cys; replaces serine 197 with cysteine.
Molecular consequence: missense variant.
Genome position (GRCh38, 1-based): chr13:32,326,572, C>G. VCF-style: chr13-32326572-C-G. GRCh37 (hg19) VCF-style: chr13-32900709-C-G.
Other names: short protein forms S197C.
Identifiers: ClinVar variation 232710 (VCV000232710.16), dbSNP rs876659940, ClinGen allele CA10579465.